The following is an entry in ClinVar:

NC_000019.9:g.(?_13249921)_(13318882_?)dup

Genes: CACNA1A (calcium voltage-gated channel subunit alpha1 A; minus strand), IER2 (immediate early response 2; plus strand), NACC1 (nucleus accumbens associated 1; plus strand), STX10 (syntaxin 10; minus strand). Cytogenetic location: 19p13.2.
Variant type: Duplication.
Identifiers: ClinVar variation 3248504 (VCV003248504.1).

ClinVar aggregate classification (germline): Uncertain significance (1 of 4 stars; one submission).

Conditions:
Episodic ataxia type 2 (EA2). Also called: ATAXIA, EPISODIC, WITH NYSTAGMUS; ATAXIA, FAMILIAL PAROXYSMAL; CEREBELLAR ATAXIA, PAROXYSMAL, ACETAZOLAMIDE-RESPONSIVE; CEREBELLOPATHY, HEREDITARY PAROXYSMAL; EPISODIC ATAXIA, NYSTAGMUS-ASSOCIATED; ACETAZOLAMIDE-RESPONSIVE HEREDITARY PAROXYSMAL CEREBELLAR ATAXIA. Identifiers: Orphanet 97, MedGen C1720416, MONDO:0007163, OMIM 108500.
Developmental and epileptic encephalopathy, 42 (DEE42A). Also called: DEVELOPMENTAL AND EPILEPTIC ENCEPHALOPATHY 42A; EPILEPTIC ENCEPHALOPATHY, EARLY INFANTILE, 42A; Epileptic encephalopathy, early infantile, 42. Identifiers: MedGen C4310716, MONDO:0014917, OMIM 617106.

Submission:

Labcorp Genetics (formerly Invitae), Labcorp
Classification: Uncertain significance for Developmental and epileptic encephalopathy, 42; Episodic ataxia type 2. Last evaluated: 2021-08-01. Review status: criteria provided, single submitter. Criteria: Invitae Variant Classification Sherloc (09022015). Collection method: clinical testing. Allele origin: unknown.
Comment: In summary, the available evidence is currently insufficient to determine the role of this variant in disease. Therefore, it has been classified as a Variant of Uncertain Significance. Experimental studies and prediction algorithms are not available or were not evaluated, and the functional significance of this variant is currently unknown. This variant has not been reported in the literature in individuals affected with CACNA1A-related conditions. This variant results in a copy number gain of the genomic region encompassing exon(s) 47 of the CACNA1A gene. This region includes the termination codon of the gene. This copy number gain extends beyond the assayed region for this gene and therefore may encompass additional genes. As the precise location of this event is unknown, it may be in tandem or it may be located elsewhere in the genome.